The following is an entry in ClinVar:

NM_000059.4(BRCA2):c.9257-6147T>A

Gene: BRCA2 (BRCA2 DNA repair associated; plus strand). Cytogenetic location: 13q13.1.
Variant type: single nucleotide variant.
Coding change: c.9257-6147T>A on transcript NM_000059.4 (MANE Select); 6147 bases into the intron before coding-DNA position 9257, T replaced by A.
Molecular consequence: intron variant.
Genome position (GRCh38, 1-based): chr13:32,388,542, T>A. VCF-style: chr13-32388542-T-A. GRCh37 (hg19) VCF-style: chr13-32962679-T-A.
Other names: IVS 24-6147T>A.
Identifiers: ClinVar variation 209882 (VCV000209882.1), dbSNP rs11571799, ClinGen allele CA276850.

ClinVar aggregate classification (germline): Benign (3 of 4 stars; one submission).

Conditions:
Breast-ovarian cancer, familial, susceptibility to, 2 (BROVCA2). Also called: BRCA2 Hereditary Breast and Ovarian Cancer. Identifiers: Orphanet 145, MedGen C2675520, MONDO:0012933, OMIM 612555. Disease mechanism: loss of function.

Allele frequency attached by ClinVar (database versions not stated): gnomAD 0.05672 and 0.06081; TOPMed 0.06717; 1000 Genomes Project 0.10304; 1000 Genomes Project 30x 0.10431.
gnomAD v4.1: 9,220 of 151,966 alleles (6.1%); highest among the groups gnomAD compares: Admixed American, 17%; 455 homozygotes.

Submission:

Evidence-based Network for the Interpretation of Germline Mutant Alleles (ENIGMA)
Classification: Benign for Breast-ovarian cancer, familial 2. Last evaluated: 2015-01-12. Review status: reviewed by expert panel. Criteria: ENIGMA BRCA1/2 Classification Criteria (2015). Collection method: curation. Allele origin: germline.
Comment: Class 1 not pathogenic based on frequency >1% in an outbred sampleset. Frequency 0.1084 (Asian), 0.04065 (African), 0.05277 (European), derived from 1000 genomes (2012-04-30).